The following is an entry in ClinVar:

ClinVar aggregate classification (germline): Uncertain significance. Review status: criteria provided, multiple submitters, no conflicts (2 of 4 stars). 2 submissions from 2 submitters: Uncertain significance (2). Last evaluated 2026-06-18.

Conditions:
Deafness-lymphedema-leukemia syndrome. Also called: Lymphedema, primary, with myelodysplasia; Emberger syndrome. Identifiers: Orphanet 3226, MedGen C3279664, MONDO:0013540, OMIM 614038.
Monocytopenia with susceptibility to infections. Also called: MONOCYTOPENIA AND MYCOBACTERIAL INFECTION SYNDROME; MONOCYTOPENIA WITH SUSCEPTIBILITY TO MYCOBACTERIAL, FUNGAL, AND PAPILLOMAVIRUS INFECTIONS AND MYELODYSPLASIA; COMBINED IMMUNODEFICIENCY WITH SUSCEPTIBILITY TO MYCOBACTERIAL, VIRAL, AND FUNGAL INFECTIONS; Dendritic cell, monocyte, B lymphocyte, and natural killer lymphocyte deficiency; IMMUNODEFICIENCY 21; GATA2 DEFICIENCY. Identifiers: Orphanet 228423, MedGen C3280030, MONDO:0013607, OMIM 614172.
Inborn genetic diseases. Identifiers: MedGen C0950123, MeSH D030342.

Submissions (2):

Ambry Genetics
Classification: Uncertain significance for Inborn genetic diseases. Last evaluated: 2026-06-18. Review status: criteria provided, single submitter. Criteria: Ambry Variant Classification Scheme 2023. Collection method: clinical testing. Allele origin: germline.
Comment: The p.N114K variant (also known as c.342C>A), located in coding exon 2 of the GATA2 gene, results from a C to A substitution at nucleotide position 342. The asparagine at codon 114 is replaced by lysine, an amino acid with similar properties. This amino acid position is conserved. In addition, the in silico prediction for this alteration is inconclusive. Based on the available evidence, the clinical significance of this variant remains unclear.

Labcorp Genetics (formerly Invitae), Labcorp
Classification: Uncertain significance for Monocytopenia with susceptibility to infections; Deafness-lymphedema-leukemia syndrome. Last evaluated: 2022-07-09. Review status: criteria provided, single submitter. Criteria: Invitae Variant Classification Sherloc (09022015). Collection method: clinical testing. Allele origin: germline.
Comment: In summary, the available evidence is currently insufficient to determine the role of this variant in disease. Therefore, it has been classified as a Variant of Uncertain Significance. Advanced modeling of protein sequence and biophysical properties (such as structural, functional, and spatial information, amino acid conservation, physicochemical variation, residue mobility, and thermodynamic stability) performed at Invitae indicates that this missense variant is not expected to disrupt GATA2 protein function. This variant has not been reported in the literature in individuals affected with GATA2-related conditions. This variant is not present in population databases (gnomAD no frequency). This sequence change replaces asparagine, which is neutral and polar, with lysine, which is basic and polar, at codon 114 of the GATA2 protein (p.Asn114Lys).

NM_032638.5(GATA2):c.342C>A (p.Asn114Lys)

Gene: GATA2 (GATA binding protein 2; minus strand). Cytogenetic location: 3q21.3.
Variant type: single nucleotide variant.
Coding change: c.342C>A on transcript NM_032638.5 (MANE Select); coding-DNA position 342, C replaced by A.
Protein change: p.Asn114Lys; replaces asparagine 114 with lysine.
Molecular consequence: missense variant.
Genome position (GRCh38, 1-based): chr3:128,486,256, G>T on the plus strand (C>A on the coding strand, the complement: GATA2 is on the minus strand). VCF-style: chr3-128486256-G-T. GRCh37 (hg19) VCF-style: chr3-128205099-G-T.
Other names: c.342C>A, p.Asn114Lys (NM_001145661.2, NM_001145662.1); short protein forms N114K.
Identifiers: ClinVar variation 2091971 (VCV002091971.6), dbSNP rs2068697745, ClinGen allele CA354407231.